The following is an entry in ClinVar:

ClinVar aggregate classification (germline): Likely benign. Review status: criteria provided, multiple submitters, no conflicts (2 of 4 stars). 6 submissions from 6 submitters: Likely benign (6). Last evaluated 2026-06-01.

Conditions:
Larsen-like syndrome, B3GAT3 type. Also called: MULTIPLE JOINT DISLOCATIONS, SHORT STATURE, AND CRANIOFACIAL DYSMORPHISM WITH OR WITHOUT CONGENITAL HEART DEFECTS; Multiple joint dislocations, short stature, craniofacial dysmorphism, with or without congenital heart defects. Identifiers: Orphanet 284139, MedGen CN034159, MONDO:0009511, OMIM 245600.

Allele frequency attached by ClinVar (database versions not stated): 1000 Genomes Project 0.00060; 1000 Genomes Project 30x 0.00062; gnomAD exomes 0.00145 and 0.00226; gnomAD 0.00148 and 0.00149; ExAC 0.00154; TOPMed 0.00171; ESP Exome Variant Server 0.00177.

Submissions (6):

CeGaT Center for Human Genetics Tuebingen
Classification: Likely benign. Last evaluated: 2026-06-01. Review status: criteria provided, single submitter. Criteria: CeGaT Center For Human Genetics Tuebingen Variant Classification Criteria Version 2. Collection method: clinical testing. Allele origin: germline. Affected: yes. Observed: 1 variant allele.
Comment: B3GAT3: BP4, BP7

Labcorp Genetics (formerly Invitae), Labcorp
Classification: Likely benign for Larsen-like syndrome, B3GAT3 type. Last evaluated: 2026-01-21. Review status: criteria provided, single submitter. Criteria: Invitae Variant Classification Sherloc (09022015). Collection method: clinical testing. Allele origin: germline.

Mayo Clinic Laboratories, Mayo Clinic
Classification: Likely benign. Last evaluated: 2025-03-25. Review status: criteria provided, single submitter. Criteria: ACMG Guidelines, 2015. Collection method: clinical testing. Allele origin: germline. Observed: 21 variant alleles.
Comment: BS1, BP4, BP7

Blueprint Genetics
Classification: Likely benign. Last evaluated: 2024-11-25. Review status: criteria provided, single submitter. Criteria: ACMG Guidelines, 2015. Collection method: clinical testing. Allele origin: germline.

GeneDx
Classification: Likely benign. Last evaluated: 2020-11-02. Review status: criteria provided, single submitter. Criteria: GeneDx Variant Classification Process June 2021. Collection method: clinical testing. Allele origin: germline. Affected: yes.

Breakthrough Genomics
Classification: Likely benign. Review status: criteria provided, single submitter. Criteria: ACMG Guidelines, 2015. Collection method: not provided. Allele origin: germline. Inheritance: Autosomal recessive inheritance. Affected: yes.

NM_012200.4(B3GAT3):c.930G>A (p.Arg310=)

Gene: B3GAT3 (beta-1,3-glucuronyltransferase 3; minus strand). Cytogenetic location: 11q12.3.
Variant type: single nucleotide variant.
Coding change: c.930G>A on transcript NM_012200.4 (MANE Select); coding-DNA position 930, G replaced by A.
Protein change: p.Arg310=; no amino-acid change (arginine 310 retained).
Molecular consequence: synonymous variant. On other transcripts: 3 prime UTR variant (2), non-coding transcript variant (1).
Genome position (GRCh38, 1-based): chr11:62,615,779, C>T on the plus strand (G>A on the coding strand, the complement: B3GAT3 is on the minus strand). VCF-style: chr11-62615779-C-T. GRCh37 (hg19) VCF-style: chr11-62383251-C-T.
Other names: p.Arg310=; c.909G>A, p.Arg303= (NM_001288721.2); c.*407G>A (NM_001288722.2); c.*423G>A (NM_001288723.2).
Identifiers: ClinVar variation 774896 (VCV000774896.19), dbSNP rs147883248, ClinGen allele CA6049943.